The following is an entry in ClinVar:

ClinVar aggregate classification (germline): Uncertain significance (1 of 4 stars; one submission).

Conditions:
Cornelia de Lange syndrome 1 (CDLS1). Also called: Brachmann de Lange syndrome; NIPBL-Related Cornelia de Lange Syndrome; TYPUS DEGENERATIVUS AMSTELODAMENSIS. Identifiers: Orphanet 199, MedGen C4551851, MONDO:0007387, OMIM 122470.

Submission:

Labcorp Genetics (formerly Invitae), Labcorp
Classification: Uncertain significance for Cornelia de Lange syndrome 1. Last evaluated: 2024-09-30. Review status: criteria provided, single submitter. Criteria: Invitae Variant Classification Sherloc (09022015). Collection method: clinical testing. Allele origin: germline.
Comment: This sequence change replaces arginine, which is basic and polar, with glycine, which is neutral and non-polar, at codon 1297 of the NIPBL protein (p.Arg1297Gly). This variant is not present in population databases (gnomAD no frequency). This variant has not been reported in the literature in individuals affected with NIPBL-related conditions. Invitae Evidence Modeling of protein sequence and biophysical properties (such as structural, functional, and spatial information, amino acid conservation, physicochemical variation, residue mobility, and thermodynamic stability) has been performed for this missense variant. However, the output from this modeling did not meet the statistical confidence thresholds required to predict the impact of this variant on NIPBL protein function. In summary, the available evidence is currently insufficient to determine the role of this variant in disease. Therefore, it has been classified as a Variant of Uncertain Significance.

NM_133433.4(NIPBL):c.3889A>G (p.Arg1297Gly)

Gene: NIPBL (NIPBL cohesin loading factor; plus strand). Cytogenetic location: 5p13.2.
Variant type: single nucleotide variant.
Coding change: c.3889A>G on transcript NM_133433.4 (MANE Select); coding-DNA position 3889, A replaced by G.
Protein change: p.Arg1297Gly; replaces arginine 1297 with glycine.
Molecular consequence: missense variant.
Genome position (GRCh38, 1-based): chr5:37,006,390, A>G. VCF-style: chr5-37006390-A-G. GRCh37 (hg19) VCF-style: chr5-37006492-A-G.
Other names: c.3889A>G, p.Arg1297Gly (NM_015384.5); short protein forms R1297G.
Identifiers: ClinVar variation 3635346 (VCV003635346.2).